The following is an entry in ClinVar:

ClinVar aggregate classification (germline): Uncertain significance. Review status: criteria provided, multiple submitters, no conflicts (2 of 4 stars). 2 submissions from 2 submitters: Uncertain significance (2). Last evaluated 2024-06-30.

Conditions:
Hereditary cancer-predisposing syndrome. Also called: Hereditary neoplastic syndrome; Tumor predisposition; Neoplastic Syndromes, Hereditary; Hereditary Cancer Syndrome. Identifiers: Orphanet 140162, MedGen C0027672, MeSH D009386, MONDO:0015356.

Submissions (2):

Ambry Genetics
Classification: Uncertain significance for Hereditary cancer-predisposing syndrome. Last evaluated: 2024-06-30. Review status: criteria provided, single submitter. Criteria: Ambry Variant Classification Scheme 2023. Collection method: clinical testing. Allele origin: germline.
Comment: The p.V1725G variant (also known as c.5174T>G) is located in coding exon 39 of the POLE gene. The valine at codon 1725 is replaced by glycine, an amino acid with dissimilar properties. This change occurs in the first base pair of coding exon 39. This amino acid position is conserved. In addition, the in silico prediction for this alteration is inconclusive. Based on the available evidence, the clinical significance of this variant remains unclear.

Labcorp Genetics (formerly Invitae), Labcorp
Classification: Uncertain significance. Last evaluated: 2023-07-10. Review status: criteria provided, single submitter. Criteria: Invitae Variant Classification Sherloc (09022015). Collection method: clinical testing. Allele origin: germline.
Comment: In summary, the available evidence is currently insufficient to determine the role of this variant in disease. Therefore, it has been classified as a Variant of Uncertain Significance. This sequence change replaces valine, which is neutral and non-polar, with glycine, which is neutral and non-polar, at codon 1725 of the POLE protein (p.Val1725Gly). This variant is not present in population databases (gnomAD no frequency). This variant has not been reported in the literature in individuals affected with POLE-related conditions. ClinVar contains an entry for this variant (Variation ID: 1504173). An algorithm developed to predict the effect of missense changes on protein structure and function (PolyPhen-2) suggests that this variant is likely to be disruptive.

NM_006231.4(POLE):c.5174T>G (p.Val1725Gly)

Gene: POLE (DNA polymerase epsilon, catalytic subunit; minus strand). Cytogenetic location: 12q24.33.
Variant type: single nucleotide variant.
Coding change: c.5174T>G on transcript NM_006231.4 (MANE Select); coding-DNA position 5174, T replaced by G.
Protein change: p.Val1725Gly; replaces valine 1725 with glycine.
Molecular consequence: missense variant.
Genome position (GRCh38, 1-based): chr12:132,641,851, A>C on the plus strand (T>G on the coding strand, the complement: POLE is on the minus strand). VCF-style: chr12-132641851-A-C. GRCh37 (hg19) VCF-style: chr12-133218437-A-C.
Other names: c.5174T>G (NM_006231.2); short protein forms V1725G.
Identifiers: ClinVar variation 1504173 (VCV001504173.9), dbSNP rs1064796427, ClinGen allele CA387376545.